The following is an entry in ClinVar:

NM_177438.3(DICER1):c.145-2A>G

Gene: DICER1 (dicer 1, ribonuclease III; minus strand). Cytogenetic location: 14q32.13.
Variant type: single nucleotide variant.
Coding change: c.145-2A>G on transcript NM_177438.3 (MANE Select); the canonical splice acceptor site of the intron before coding-DNA position 145, A replaced by G.
Molecular consequence: splice acceptor variant.
Genome position (GRCh38, 1-based): chr14:95,132,679, T>C on the plus strand (A>G on the coding strand, the complement: DICER1 is on the minus strand). VCF-style: chr14-95132679-T-C. GRCh37 (hg19) VCF-style: chr14-95599016-T-C.
Other names: c.145-2A>G (NM_001291628.2, NM_030621.4, NM_001395677.1 and 14 more transcripts); c.-130-2A>G (NM_001395690.1, NM_001395687.1, NM_001395689.1 and 4 more transcripts); c.-314-2A>G (NM_001395691.1); c.-1424-2A>G (NM_001395697.1).
Identifiers: ClinVar variation 2830385 (VCV002830385.3), dbSNP rs2543373409, ClinGen allele CA390890216.

ClinVar aggregate classification (germline): Likely pathogenic (1 of 4 stars; one submission).

Conditions:
DICER1-related tumor predisposition. Also called: DICER1-related pleuropulmonary blastoma cancer predisposition syndrome; DICER1 syndrome. Identifiers: Orphanet 284343, MedGen C3839822, MONDO:0100216.

Submission:

Labcorp Genetics (formerly Invitae), Labcorp
Classification: Likely pathogenic for DICER1-related tumor predisposition. Last evaluated: 2023-01-20. Review status: criteria provided, single submitter. Criteria: Invitae Variant Classification Sherloc (09022015). Collection method: clinical testing. Allele origin: germline.
Comment: In summary, the currently available evidence indicates that the variant is pathogenic, but additional data are needed to prove that conclusively. Therefore, this variant has been classified as Likely Pathogenic. Algorithms developed to predict the effect of sequence changes on RNA splicing suggest that this variant may disrupt the consensus splice site. This variant has not been reported in the literature in individuals affected with DICER1-related conditions. This variant is not present in population databases (gnomAD no frequency). This sequence change affects an acceptor splice site in intron 2 of the DICER1 gene. It is expected to disrupt RNA splicing. Variants that disrupt the donor or acceptor splice site typically lead to a loss of protein function (PMID: 16199547), and loss-of-function variants in DICER1 are known to be pathogenic (PMID: 19556464, 21266384).

Literature cited by the submitters: PubMed 16199547; PubMed 19556464; PubMed 21266384.